The following is an entry in ClinVar:

NM_000263.4(NAGLU):c.838_841del (p.Leu280fs)

Gene: NAGLU (N-acetyl-alpha-glucosaminidase; plus strand). Cytogenetic location: 17q21.2.
Variant type: Microsatellite.
Coding change: c.838_841del on transcript NM_000263.4 (MANE Select); coding-DNA positions 838 to 841, 4 bases deleted (CTTC; older notation c.838_841delCTTC).
Protein change: p.Leu280fs; shifts the reading frame from leucine 280.
Molecular consequence: frameshift variant.
Genome position (GRCh38, 1-based): chr17:42,541,023-42,541,026, CTTC deleted; deleting any 4 consecutive bases within chr17:42,541,017-42,541,026 gives the same sequence; the c. name uses the placement nearest the transcript's 3' end. VCF-style (leftmost placement, unchanged base first): chr17-42541016-CTCCT-C. GRCh37 (hg19) VCF-style: chr17-40693034-CTCCT-C.
Other names: short protein forms L280fs.
Identifiers: ClinVar variation 557686 (VCV000557686.3), dbSNP rs756865833, ClinGen allele CA8576883.

ClinVar aggregate classification (germline): Likely pathogenic. Review status: criteria provided, single submitter (1 of 4 stars). 2 submissions from 2 submitters: Likely pathogenic (1). 1 of the submissions does not count toward it.

Conditions:
Mucopolysaccharidosis, MPS-III-B (MPS3B). Also called: MPS III B; MUCOPOLYSACCHARIDOSIS, TYPE IIIB; N-ACETYL-ALPHA-D-GLUCOSAMINIDASE DEFICIENCY; NAGLU DEFICIENCY; SANFILIPPO SYNDROME B; Mucopolysaccharidosis type IIIB (Sanfilippo B). Identifiers: Orphanet 79270, MedGen C0086648, MONDO:0009656, OMIM 252920.

Submissions (2):

Neuberg Centre For Genomic Medicine, NCGM
Classification: Likely pathogenic for Mucopolysaccharidosis, MPS-III-B. Review status: criteria provided, single submitter. Criteria: ACMG Guidelines, 2015. Collection method: clinical testing. Allele origin: germline. Inheritance: Autosomal recessive inheritance. Affected: yes.
Comment: The frameshift c.838_841del(p.Leu280TrpfsTer19) variant in NAGLU gene has not been reported previously as a pathogenic variant nor as a benign variant, to our knowledge. The p.Leu280TrpfsTer19 variant is present with allele frequency of 0.0004% in gnomAD Exomes. This variant has been submitted to the ClinVar database as Likely Pathogenic. This variant causes a frameshift starting with codon Leucine 280, changes this amino acid to Tryptophan residue, and creates a premature Stop codon at position 19 of the new reading frame, denoted p.Leu280TrpfsTer19. This variant is predicted to cause loss of normal protein function through protein truncation. Loss of function variants have been previously reported to be disease causing. For these reasons, this variant has been classified as Likely Pathogenic.

Counsyl
Classification: Likely pathogenic for Mucopolysaccharidosis, MPS-III-B. Last evaluated: 2018-04-12. Review status: no assertion criteria provided. Collection method: clinical testing. Allele origin: unknown. Not counted in ClinVar's aggregate classification.